The following is an entry in ClinVar:

NM_001035.3(RYR2):c.8486G>A (p.Ser2829Asn)

Gene: RYR2 (ryanodine receptor 2; plus strand). Cytogenetic location: 1q43.
Variant type: single nucleotide variant.
Coding change: c.8486G>A on transcript NM_001035.3 (MANE Select); coding-DNA position 8486, G replaced by A.
Protein change: p.Ser2829Asn; replaces serine 2829 with asparagine.
Molecular consequence: missense variant.
Genome position (GRCh38, 1-based): chr1:237,666,561, G>A. VCF-style: chr1-237666561-G-A. GRCh37 (hg19) VCF-style: chr1-237829861-G-A.
Other names: c.8486G>A (NM_001035.2); short protein forms S2829N.
Identifiers: ClinVar variation 1512577 (VCV001512577.9), dbSNP rs752268870, ClinGen allele CA087646.
Genomic context (GRCh38, chr1:237,666,561, plus strand): 5'-AAATGATCTAGGTTTCTGTGGACGCTGCCCATGGTTACAGTCCCCGGGCCATTGACATGA[G>A]CAATGTTACACTATCTAGAGACCTGCATGTAAGTACTATTAACTTTTAAAAATAGTCTCC-3'
Protein context (NP_001026.2, residues 2819-2839): HGYSPRAIDM[Ser2829Asn]NVTLSRDLHA

ClinVar aggregate classification (germline): Conflicting classifications of pathogenicity. Review status: criteria provided, conflicting classifications (1 of 4 stars). 2 submissions from 2 submitters: Uncertain significance (1); Likely benign (1). Last evaluated 2025-06-09.

Conditions:
Cardiovascular phenotype. Identifiers: MedGen CN230736.
Catecholaminergic polymorphic ventricular tachycardia 1. Also called: RYR2-Related Catecholaminergic Polymorphic Ventricular Tachycardia; VENTRICULAR TACHYCARDIA, STRESS-INDUCED POLYMORPHIC 1; VENTRICULAR TACHYCARDIA, CATECHOLAMINERGIC POLYMORPHIC, 1, WITH OR WITHOUT ATRIAL DYSFUNCTION AND/OR DILATED CARDIOMYOPATHY. Identifiers: Orphanet 3286, MedGen C1631597, MONDO:0011484, OMIM 604772.

Allele frequency attached by ClinVar (database versions not stated): gnomAD exomes below 0.00001; ExAC 0.00001; gnomAD 0.00001.
gnomAD v4.1: 3 of 1,612,518 alleles (0.00019%); highest among the groups gnomAD compares: African/African-American, 0.0013%; no homozygotes.

Submissions (2):

Labcorp Genetics (formerly Invitae), Labcorp
Classification: Likely benign for Catecholaminergic polymorphic ventricular tachycardia 1. Last evaluated: 2025-06-09. Review status: criteria provided, single submitter. Criteria: Invitae Variant Classification Sherloc (09022015). Collection method: clinical testing. Allele origin: germline.

Ambry Genetics
Classification: Uncertain significance for Cardiovascular phenotype. Last evaluated: 2023-04-06. Review status: criteria provided, single submitter. Criteria: Ambry Variant Classification Scheme 2023. Collection method: clinical testing. Allele origin: germline.
Comment: The p.S2829N variant (also known as c.8486G>A), located in coding exon 57 of the RYR2 gene, results from a G to A substitution at nucleotide position 8486. The serine at codon 2829 is replaced by asparagine, an amino acid with highly similar properties. This amino acid position is well conserved in available vertebrate species. In addition, the in silico prediction for this alteration is inconclusive. Since supporting evidence is limited at this time, the clinical significance of this alteration remains unclear.